The following is an entry in ClinVar:

NM_000051.4(ATM):c.3756del (p.Cys1251_Tyr1252insTer)

Gene: ATM (ATM serine/threonine kinase; plus strand). Cytogenetic location: 11q22.3.
Variant type: Deletion.
Coding change: c.3756del on transcript NM_000051.4 (MANE Select); coding-DNA position 3756, one base deleted (T; older notation c.3756delT).
Protein change: p.Cys1251_Tyr1252insTer.
Molecular consequence: nonsense.
Genome position (GRCh38, 1-based): chr11:108,284,236, T deleted. VCF-style (leftmost placement, unchanged base first): chr11-108284235-AT-A. GRCh37 (hg19) VCF-style: chr11-108154962-AT-A.
Other names: c.3756del, p.Cys1251_Tyr1252insTer (NM_001351834.2).
Identifiers: ClinVar variation 1049082 (VCV001049082.2), dbSNP rs2135704461, ClinGen allele CA2499220623.

ClinVar aggregate classification (germline): Likely pathogenic (0 of 4 stars; one submission).

Conditions:
Malignant tumor of breast. Also called: Malignant breast neoplasm; Cancer breast. Identifiers: MedGen C0006142, MONDO:0007254. Disease mechanism: loss of function.

Allele frequency attached by ClinVar (database versions not stated): gnomAD exomes below 0.00001.

Submission:

Department of Pathology and Laboratory Medicine, Sinai Health System
Classification: Likely pathogenic for Malignant tumor of breast. Review status: no assertion criteria provided. Collection method: clinical testing. Allele origin: unknown. Affected: yes. Study: The Canadian Open Genetics Repository (COGR).
Comment: The ATM p.Tyr1252X variant was not identified in the literature nor was it identified in the dbSNP, ClinVar, Cosmic, MutDB, LOVD 3.0, databases. The variant was not identified in the following control databases: the 1000 Genomes Project, the NHLBI GO Exome Sequencing Project, and the Exome Aggregation Consortium (August 8th 2016), or the Genome Aggregation Database (Feb 27, 2017). The c.3756del variant leads to a premature stop codon at position 1252 which is predicted to lead to a truncated or absent protein and loss of function. Loss of function variants of the ATM gene are an established mechanism of disease in breast and ovarian cancer and is the type of variant expected to cause the disorder. In summary, based on the above information the clinical significance of this variant cannot be determined with certainty at this time although we would lean towards a more pathogenic role for this variant. This variant is classified as likely pathogenic.